The following is an entry in ClinVar:

ClinVar aggregate classification (germline): Likely pathogenic (1 of 4 stars; one submission).

Conditions:
Cholestanol storage disease (CTX). Also called: CEREBRAL CHOLESTERINOSIS; Cerebrotendinous Xanthomatosis; CTX: Cerebrotendinous xanthomatosis. Identifiers: Orphanet 909, MedGen C0238052, MONDO:0008948, OMIM 213700.

Submission:

Natera, Inc.
Classification: Likely pathogenic for Cerebrotendinous xanthomatosis. Last evaluated: 2025-01-12. Review status: criteria provided, single submitter. Criteria: Natera Variant Classification Schema (03/2026). Collection method: clinical testing. Allele origin: germline.
Comment: The c.487C>T variant in CYP27A1 is a nonsense variant predicted to introduce a stop codon at amino acid 163. This variant is expected to result in nonsense mediated decay, truncation, or a dysfunctional protein product. This variant is rare in the general population with a frequency below the threshold expected for the associated phenotype(s). Given the available evidence, this variant is classified as Likely Pathogenic.

NM_000784.4(CYP27A1):c.487C>T (p.Gln163Ter)

Gene: CYP27A1 (cytochrome P450 family 27 subfamily A member 1; plus strand). Cytogenetic location: 2q35.
Variant type: single nucleotide variant.
Coding change: c.487C>T on transcript NM_000784.4 (MANE Select); coding-DNA position 487, C replaced by T.
Protein change: p.Gln163Ter; replaces glutamine 163 with a stop codon.
Molecular consequence: nonsense.
Genome position (GRCh38, 1-based): chr2:218,812,262, C>T. VCF-style: chr2-218812262-C-T. GRCh37 (hg19) VCF-style: chr2-219676985-C-T.
Other names: short protein forms Q163*.
Identifiers: ClinVar variation 4065761 (VCV004065761.2).